The following is an entry in ClinVar:

ClinVar aggregate classification (germline): Uncertain significance (1 of 4 stars; one submission).

Submission:

GeneDx
Classification: Uncertain significance. Last evaluated: 2024-11-26. Review status: criteria provided, single submitter. Criteria: GeneDx Variant Classification Process June 2021. Collection method: clinical testing. Allele origin: germline. Affected: yes.
Comment: Not observed at significant frequency in large population cohorts (gnomAD); In silico analysis indicates that this missense variant does not alter protein structure/function; Has not been previously published as pathogenic or benign to our knowledge

NM_033109.5(PNPT1):c.298G>A (p.Val100Ile)

Gene: PNPT1 (polyribonucleotide nucleotidyltransferase 1; minus strand). Cytogenetic location: 2p16.1.
Variant type: single nucleotide variant.
Coding change: c.298G>A on transcript NM_033109.5 (MANE Select); coding-DNA position 298, G replaced by A.
Protein change: p.Val100Ile; replaces valine 100 with isoleucine.
Molecular consequence: missense variant.
Genome position (GRCh38, 1-based): chr2:55,685,048, C>T on the plus strand (G>A on the coding strand, the complement: PNPT1 is on the minus strand). VCF-style: chr2-55685048-C-T. GRCh37 (hg19) VCF-style: chr2-55912183-C-T.
Other names: short protein forms V100I.
Identifiers: ClinVar variation 3900505 (VCV003900505.1).